The following is an entry in ClinVar:

ClinVar aggregate classification (germline): Benign/Likely benign. Review status: criteria provided, multiple submitters, no conflicts (2 of 4 stars). 6 submissions from 6 submitters: Benign (1); Likely benign (4). 1 of the submissions does not count toward it. Last evaluated 2026-04-29.

Conditions:
Colorectal cancer, hereditary nonpolyposis, type 7. Identifiers: Orphanet 144, MedGen C1858380, MONDO:0013725, OMIM 614385.
Endometrial carcinoma. Also called: Endometrial carcinoma, somatic. Identifiers: MedGen C0476089, MONDO:0002447, OMIM 608089, HP:0012114.
Colorectal cancer. Also called: Malignant Colorectal Neoplasm; Colorectal cancer, somatic. Identifiers: MedGen C0346629, MONDO:0005575, OMIM 114500.
MLH3-related disorder. Also called: MLH3-related condition.

Allele frequency attached by ClinVar (database versions not stated): ExAC 0.00001; gnomAD exomes 0.00002; gnomAD 0.00003; TOPMed 0.00005; ESP Exome Variant Server 0.00008.
gnomAD v4.1: 33 of 1,613,986 alleles (0.002%); highest among the groups gnomAD compares: Middle Eastern, 0.016%; no homozygotes.

Submissions (6):

Myriad Genetics, Inc.
Classification: Benign for Colorectal cancer, hereditary nonpolyposis, type 7. Last evaluated: 2026-04-29. Review status: criteria provided, single submitter. Criteria: Myriad Autosomal Dominant, Autosomal Recessive and X-Linked Classification Criteria (2023). Collection method: clinical testing. Allele origin: unknown.
Comment: This variant is considered benign. This variant is a silent/synonymous amino acid change and it is not expected to impact splicing.

Labcorp Genetics (formerly Invitae), Labcorp
Classification: Likely benign for Colorectal cancer, hereditary nonpolyposis, type 7. Last evaluated: 2025-12-10. Review status: criteria provided, single submitter. Criteria: Invitae Variant Classification Sherloc (09022015). Collection method: clinical testing. Allele origin: germline.

CeGaT Center for Human Genetics Tuebingen
Classification: Likely benign. Last evaluated: 2022-10-01. Review status: criteria provided, single submitter. Criteria: CeGaT Center For Human Genetics Tuebingen Variant Classification Criteria Version 2. Collection method: clinical testing. Allele origin: germline. Affected: yes. Observed: 1 variant allele.
Comment: MLH3: BP4, BP7

Department of Pathology and Laboratory Medicine, Sinai Health System
Classification: Likely benign for Colorectal cancer; Endometrial carcinoma; Colorectal cancer, hereditary nonpolyposis, type 7. Last evaluated: 2021-06-21. Review status: criteria provided, single submitter. Criteria: ACMG Guidelines, 2015. Collection method: clinical testing. Allele origin: germline. Affected: yes.

Ambry Genetics
Classification: Likely benign. Last evaluated: 2020-10-28. Review status: criteria provided, single submitter. Criteria: Ambry Variant Classification Scheme 2023. Collection method: clinical testing. Allele origin: germline.

PreventionGenetics, part of Exact Sciences
Classification: Likely benign for MLH3-related condition. Last evaluated: 2023-10-04. Review status: no assertion criteria provided. Collection method: clinical testing. Allele origin: germline. Not counted in ClinVar's aggregate classification.
Comment: This variant is classified as likely benign based on ACMG/AMP sequence variant interpretation guidelines (Richards et al. 2015 PMID: 25741868, with internal and published modifications).

NM_001040108.2(MLH3):c.1017C>T (p.Cys339=)

Gene: MLH3 (mutL homolog 3; minus strand). Cytogenetic location: 14q24.3.
Variant type: single nucleotide variant.
Coding change: c.1017C>T on transcript NM_001040108.2 (MANE Select); coding-DNA position 1017, C replaced by T.
Protein change: p.Cys339=; no amino-acid change (cysteine 339 retained).
Molecular consequence: synonymous variant.
Genome position (GRCh38, 1-based): chr14:75,048,639, G>A on the plus strand (C>T on the coding strand, the complement: MLH3 is on the minus strand). VCF-style: chr14-75048639-G-A. GRCh37 (hg19) VCF-style: chr14-75515342-G-A.
Other names: c.1017C>T, p.Cys339= (NM_014381.3).
Identifiers: ClinVar variation 699349 (VCV000699349.36), dbSNP rs368126670, ClinGen allele CA7275933.